The following is an entry in ClinVar:

ClinVar aggregate classification (germline): Uncertain significance (1 of 4 stars; one submission).

Conditions:
VPS13B-related disorder. Also called: VPS13B-related condition.

gnomAD v4.1: 1 of 1,613,344 alleles (0.000062%); highest among the groups gnomAD compares: Non-Finnish European, 0.000085%; no homozygotes.

Submission:

PreventionGenetics, part of Exact Sciences
Classification: Uncertain significance for VPS13B-related condition. Last evaluated: 2026-05-14. Review status: criteria provided, single submitter. Criteria: ACMG Guidelines, 2015. Collection method: clinical testing. Allele origin: germline.
Comment: The VPS13B c.1460G>A variant is predicted to result in the amino acid substitution p.Ser487Asn. To our knowledge, this variant has not been reported in the literature or in a large population database (gnomAD), indicating this variant is rare. At this time, the clinical significance of this variant is uncertain due to the absence of conclusive functional and genetic evidence.

NM_152564.5(VPS13B):c.1460G>A (p.Ser487Asn)

Gene: VPS13B (vacuolar protein sorting 13 homolog B; plus strand). Cytogenetic location: 8q22.2.
Variant type: single nucleotide variant.
Coding change: c.1460G>A on transcript NM_152564.5 (MANE Select); coding-DNA position 1460, G replaced by A.
Protein change: p.Ser487Asn; replaces serine 487 with asparagine.
Molecular consequence: missense variant.
Genome position (GRCh38, 1-based): chr8:99,135,630, G>A. VCF-style: chr8-99135630-G-A. GRCh37 (hg19) VCF-style: chr8-100147858-G-A.
Other names: c.1460G>A, p.Ser487Asn (NM_015243.3, NM_017890.5); short protein forms S487N.
Identifiers: ClinVar variation 4993815 (VCV004993815.1).